The following is an entry in ClinVar:

ClinVar aggregate classification (germline): Pathogenic (0 of 4 stars; one submission).

Conditions:
Pyruvate dehydrogenase E1-alpha deficiency (PDHAD). Also called: ATAXIA, INTERMITTENT, WITH PYRUVATE DEHYDROGENASE DEFICIENCY; ATAXIA WITH LACTIC ACIDOSIS I; ATAXIA, INTERMITTENT, WITH ABNORMAL PYRUVATE METABOLISM; Ataxia, intermittent, with pyruvate dehydrogenase, or decarboxylase, deficiency. Identifiers: Orphanet 79243, MedGen C1839413, MONDO:0010717, OMIM 312170.

Submission:

PDHA1 Study Group, University Children’s Hospital, Paracelsus Medical University
Classification: Pathogenic for Pyruvate dehydrogenase E1-alpha deficiency. Last evaluated: 2024-10-15. Review status: no assertion criteria provided. Collection method: research. Allele origin: de novo. Affected: yes. Observed: 1 variant allele.
Comment: The NM_000284.3:c.1065del (p.Asp356IlefsTer68) change is a frameshift variant in PDHA1 gene. This variant is predicted to escape nonsense-mediated decay (NMD). Among them, 1 case had confirmed de novo occurrence. Last literature search: July 12, 2024. This variant is absent or extremely rare in population-based cohorts in the Genome Aggregation Database (gnomAD). Individuals harboring this variant presented with clinical features compatible with PDHA1-related PDHc deficiency. In summary, this variant meets criteria to be classified as pathogenic (P) for PDHA1-related PDHc deficiency based on the ACMG/AMP criteria applied: PVS1, PS2, PM2 (last assessment October 15, 2024).

Literature cited by the submitters: DOI 10.1093/brain/awaf430.

NM_000284.4(PDHA1):c.1065del (p.Asp356fs)

Gene: PDHA1 (pyruvate dehydrogenase E1 subunit alpha 1; plus strand). Cytogenetic location: Xp22.12.
Variant type: Deletion.
Coding change: c.1065del on transcript NM_000284.4 (MANE Select); coding-DNA position 1065, one base deleted (C; older notation c.1065delC).
Protein change: p.Asp356fs; shifts the reading frame from aspartic acid 356.
Molecular consequence: frameshift variant.
Genome position (GRCh38, 1-based): chrX:19,359,545, C deleted; the last of 2 consecutive C bases (chrX:19,359,544-19,359,545); deleting either gives the same sequence. VCF-style (leftmost placement, unchanged base first): chrX-19359543-GC-G. GRCh37 (hg19) VCF-style: chrX-19377661-GC-G.
Other names: c.1179del, p.Asp394fs (NM_001173454.2); c.1086del, p.Asp363fs (NM_001173455.2); c.972del, p.Asp325fs (NM_001173456.2); short protein forms D325fs, D356fs, D363fs, D394fs.
Identifiers: ClinVar variation 4070439 (VCV004070439.1).
Genomic context (GRCh38, chrX:19,359,543, plus strand): 5'-TTTTAGGAAATTGATGTGGAAGTGAGGAAGGAGATTGAGGATGCTGCCCAGTTTGCCACG[GC>G]CGATCCTGAGCCACCTTTGGAAGAGCTGGGCTACCACATCTACTCCAGCGACCCACCTTT-3'